The following is an entry in ClinVar:

ClinVar aggregate classification (germline): Uncertain significance. Review status: criteria provided, multiple submitters, no conflicts (2 of 4 stars). 2 submissions from 2 submitters: Uncertain significance (2). Last evaluated 2023-07-10.

Conditions:
Pitt-Hopkins-like syndrome 2 (PTHSL2). Identifiers: Orphanet 221150, Orphanet 600663, MedGen C3280479, MONDO:0013690, OMIM 614325.

Submissions (2):

Labcorp Genetics (formerly Invitae), Labcorp
Classification: Uncertain significance for Pitt-Hopkins-like syndrome 2. Last evaluated: 2023-07-10. Review status: criteria provided, single submitter. Criteria: Invitae Variant Classification Sherloc (09022015). Collection method: clinical testing. Allele origin: germline.
Comment: In summary, the available evidence is currently insufficient to determine the role of this variant in disease. Therefore, it has been classified as a Variant of Uncertain Significance. This sequence change replaces valine, which is neutral and non-polar, with alanine, which is neutral and non-polar, at codon 956 of the NRXN1 protein (p.Val956Ala). An algorithm developed to predict the effect of missense changes on protein structure and function (PolyPhen-2) suggests that this variant is likely to be disruptive. ClinVar contains an entry for this variant (Variation ID: 1027715). This variant has not been reported in the literature in individuals affected with NRXN1-related conditions. This variant is not present in population databases (gnomAD no frequency).

Baylor Genetics
Classification: Uncertain significance for Pitt-Hopkins-like syndrome 2. Last evaluated: 2020-06-09. Review status: criteria provided, single submitter. Criteria: ACMG Guidelines, 2015. Collection method: clinical testing. Allele origin: unknown. Affected: yes.
Comment: This variant was determined to be of uncertain significance according to ACMG Guidelines, 2015 [PMID:25741868].

NM_001330078.2(NRXN1):c.2747T>C (p.Val916Ala)

Gene: NRXN1 (neurexin 1; minus strand). Cytogenetic location: 2p16.3.
Variant type: single nucleotide variant.
Coding change: c.2747T>C on transcript NM_001330078.2 (MANE Select); coding-DNA position 2747, T replaced by C.
Protein change: p.Val916Ala; replaces valine 916 with alanine.
Molecular consequence: missense variant.
Genome position (GRCh38, 1-based): chr2:50,497,465, A>G on the plus strand (T>C on the coding strand, the complement: NRXN1 is on the minus strand). VCF-style: chr2-50497465-A-G. GRCh37 (hg19) VCF-style: chr2-50724603-A-G.
Other names: c.2867T>C, p.Val956Ala (NM_001135659.3); c.2723T>C, p.Val908Ala (NM_001330077.2, NM_001330082.2); c.2681T>C, p.Val894Ala (NM_001330083.2, NM_001330084.2); c.2720T>C, p.Val907Ala (NM_001330085.2); c.2747T>C, p.Val916Ala (NM_001330086.2, NM_004801.6); c.2636T>C, p.Val879Ala (NM_001330087.2, NM_001330096.2); c.2666T>C, p.Val889Ala (NM_001330088.2); c.2744T>C, p.Val915Ala (NM_001330093.2); and 2 more; short protein forms V899A, V908A, V894A, V907A, V916A, V879A, V889A, V912A.
Identifiers: ClinVar variation 1027715 (VCV001027715.6), dbSNP rs2091700962, ClinGen allele CA346776959.